The following is an entry in ClinVar:

ClinVar aggregate classification (germline): Conflicting classifications of pathogenicity. Review status: criteria provided, conflicting classifications (1 of 4 stars). 11 submissions from 11 submitters: Uncertain significance (7); Likely benign (1). 3 of the submissions do not count toward it. Last evaluated 2026-09-06.

Conditions:
NPC1-related disorder. Also called: NPC1-related condition.
Inborn genetic diseases. Identifiers: MedGen C0950123, MeSH D030342.
Niemann-Pick disease, type C1. Also called: NEUROVISCERAL STORAGE DISEASE WITH VERTICAL SUPRANUCLEAR OPHTHALMOPLEGIA; NIEMANN-PICK DISEASE WITH CHOLESTEROL ESTERIFICATION BLOCK; NIEMANN-PICK DISEASE WITHOUT SPHINGOMYELINASE DEFICIENCY; NIEMANN-PICK DISEASE, CHRONIC NEURONOPATHIC FORM; NIEMANN-PICK DISEASE, VARIANT TYPE C1. Identifiers: Orphanet 646, MedGen C3179455, MONDO:0009757, OMIM 257220.

Allele frequency attached by ClinVar (database versions not stated): TOPMed 0.00022; gnomAD exomes 0.00025; ExAC 0.00030; 1000 Genomes Project 30x 0.00031; ESP Exome Variant Server 0.00031; gnomAD 0.00033 and 0.00034; 1000 Genomes Project 0.00040.
gnomAD v4.1: 394 of 1,614,102 alleles (0.024%); highest among the groups gnomAD compares: Non-Finnish European, 0.027%; no homozygotes.

Submissions (13):

GeneDx
Classification: Uncertain significance. Last evaluated: 2026-09-06. Review status: criteria provided, single submitter. Criteria: GeneDx Variant Classification Process June 2021. Collection method: clinical testing. Allele origin: germline.
Comment: In silico analysis suggests that this missense variant does not alter protein structure/function; This variant is associated with the following publications: (PMID: 30556376, 31635081, 35007562, 37355399, Shammas2026[Poster], 35758105, 24386122, 25764212)

PreventionGenetics, part of Exact Sciences
Classification: Uncertain significance for NPC1-related condition. Last evaluated: 2026-07-20. Review status: criteria provided, single submitter. Criteria: ACMG Guidelines, 2015. Collection method: clinical testing. Allele origin: germline.
Comment: The NPC1 c.180G>T variant is predicted to result in the amino acid substitution p.Gln60His. This variant has been reported in two individuals with schizophrenia (Sriretnakumar et al. 2019. PubMed ID: 30556376) and in one individual with progressive supranuclear palsy (PSP) (Zech et al. 2013. PubMed ID: 24386122). In one functional study, this variant demonstrated cholesterol clearance indistinguishable from wild-type (Zech et al. 2013. PubMed ID: 24386122). This variant is reported in 0.060% of alleles in individuals of European (Finnish) descent in gnomAD. This variant has conflicting classifications listed in ClinVar ranging from likely benign to uncertain (ClinVar ID: 593342). Although we suspect that this variant may be benign, at this time, the clinical significance of this variant is uncertain due to the absence of conclusive functional and genetic evidence.

Ambry Genetics
Classification: Uncertain significance for Inborn genetic diseases. Last evaluated: 2025-02-19. Review status: criteria provided, single submitter. Criteria: Ambry Variant Classification Scheme 2023. Collection method: clinical testing. Allele origin: germline.
Comment: Occurs in the last base pair of the exon Based on insufficient or conflicting evidence, the clinical significance of this alteration remains unclear.

Labcorp Genetics (formerly Invitae), Labcorp
Classification: Uncertain significance for Niemann-Pick disease, type C1. Last evaluated: 2022-10-31. Review status: criteria provided, single submitter. Criteria: Invitae Variant Classification Sherloc (09022015). Collection method: clinical testing. Allele origin: germline.
Comment: This sequence change replaces glutamine, which is neutral and polar, with histidine, which is basic and polar, at codon 60 of the NPC1 protein (p.Gln60His). This variant also falls at the last nucleotide of exon 2, which is part of the consensus splice site for this exon. This variant is present in population databases (rs145666943, gnomAD 0.07%). This missense change has been observed in individual(s) with Niemann-Pick disease type C (PMID: 24386122). ClinVar contains an entry for this variant (Variation ID: 593342). Algorithms developed to predict the effect of missense changes on protein structure and function are either unavailable or do not agree on the potential impact of this missense change (SIFT: "Deleterious"; PolyPhen-2: "Benign"; Align-GVGD: "Class C0"). Experimental studies are conflicting or provide insufficient evidence to determine the effect of this variant on NPC1 function (PMID: 31635081). Variants that disrupt the consensus splice site are a relatively common cause of aberrant splicing (PMID: 17576681, 9536098). In summary, the available evidence is currently insufficient to determine the role of this variant in disease. Therefore, it has been classified as a Variant of Uncertain Significance.

CeGaT Center for Human Genetics Tuebingen
Classification: Likely benign. Last evaluated: 2022-07-01. Review status: criteria provided, single submitter. Criteria: CeGaT Center For Human Genetics Tuebingen Variant Classification Criteria Version 2. Collection method: clinical testing. Allele origin: germline. Affected: yes. Observed: 1 variant allele.
Comment: NPC1: BP5

Mayo Clinic Laboratories, Mayo Clinic
Classification: Uncertain significance. Last evaluated: 2022-05-03. Review status: criteria provided, single submitter. Criteria: ACMG Guidelines, 2015. Collection method: clinical testing. Allele origin: germline. Observed: 1 variant allele.
Comment: PP4, PM2, PM3

Eurofins Ntd Llc (ga)
Classification: Uncertain significance. Last evaluated: 2017-07-25. Review status: criteria provided, single submitter. Criteria: EGL Classification Definitions 2015. Collection method: clinical testing. Allele origin: germline. Observed: 2 variant alleles, 2 heterozygotes.

Illumina Laboratory Services, Illumina
Classification: Uncertain significance for Niemann-Pick disease type C1. Last evaluated: 2017-04-28. Review status: criteria provided, single submitter. Criteria: ICSL Variant Classification Criteria 13 December 2019. Collection method: clinical testing. Allele origin: germline.
Comment: This variant was observed as part of a predisposition screen in an ostensibly healthy population. A literature search was performed for the gene, cDNA change, and amino acid change (where applicable). Publications were found based on this search. However, the evidence from the literature, in combination with allele frequency data from public databases where available, was not sufficient to rule this variant in or out of causing disease. Therefore, this variant is classified as a variant of unknown significance.

Natera, Inc.
Classification: Uncertain significance for Niemann-Pick disease type C1. Last evaluated: 2020-01-14. Review status: no assertion criteria provided. Collection method: clinical testing. Allele origin: germline. Not counted in ClinVar's aggregate classification.

Dr. Peter K. Rogan Lab, Western University
No classification provided (evidence only). Condition: Melanoma. Review status: no classification provided. Collection method: in vitro. Allele origin: not applicable. Functional consequence: retained intron. Not counted in ClinVar's aggregate classification.

Dr. Peter K. Rogan Lab, Western University
No classification provided (evidence only). Condition: Malignant tumor of esophagus. Review status: no classification provided. Collection method: in vitro. Allele origin: not applicable. Functional consequence: skipped exon, retained intron. Not counted in ClinVar's aggregate classification.

Genome Diagnostics Laboratory, Amsterdam University Medical Center
Classification: Uncertain significance. Review status: no assertion criteria provided. Collection method: clinical testing. Allele origin: germline. Affected: yes. Study: VKGL Data-share Consensus. Not counted in ClinVar's aggregate classification.

Joint Genome Diagnostic Labs from Nijmegen and Maastricht, Radboudumc and MUMC+
Classification: Uncertain significance. Review status: no assertion criteria provided. Collection method: clinical testing. Allele origin: germline. Affected: yes. Study: VKGL Data-share Consensus. Not counted in ClinVar's aggregate classification.

Literature cited by the submitters: PubMed 35758105 (cited by Ambry Genetics); PubMed 37355399 (cited by Ambry Genetics); PubMed 24386122 (cited by 3 submitters); PubMed 31635081 (cited by Labcorp Genetics (formerly Invitae), Labcorp and Mayo Clinic Laboratories, Mayo Clinic); PubMed 17576681 (cited by Labcorp Genetics (formerly Invitae), Labcorp); PubMed 9536098 (cited by Labcorp Genetics (formerly Invitae), Labcorp); PubMed 30556376 (cited by Mayo Clinic Laboratories, Mayo Clinic).

NM_000271.5(NPC1):c.180G>T (p.Gln60His)

Gene: NPC1 (NPC intracellular cholesterol transporter 1; minus strand). Cytogenetic location: 18q11.2.
Variant type: single nucleotide variant.
Coding change: c.180G>T on transcript NM_000271.5 (MANE Select); coding-DNA position 180, G replaced by T.
Protein change: p.Gln60His; replaces glutamine 60 with histidine.
Molecular consequence: missense variant.
Genome position (GRCh38, 1-based): chr18:23,573,452, C>A on the plus strand (G>T on the coding strand, the complement: NPC1 is on the minus strand). VCF-style: chr18-23573452-C-A. GRCh37 (hg19) VCF-style: chr18-21153416-C-A.
Other names: p.Gln60His; short protein forms Q60H.
Identifiers: ClinVar variation 593342 (VCV000593342.46), dbSNP rs145666943, ClinGen allele CA8913815.
Genomic context (GRCh38, chr18:23,573,452, plus strand): 5'-ATTACAGAGGATCTTGTGATCAGCATTTTGTGTTCCCAGTGCCTAAGATAATGAACTTAC[C>A]TGCACTAAGTCATATCCATCCTTTGGCAATGGTTTTGGTGGGCCAGAATATTCGCAATTG-3'
Protein context (NP_000262.2, residues 50-70): PLPKDGYDLV[Gln60His]ELCPGFFFGN